The following is an entry in ClinVar:

ClinVar aggregate classification (germline): Uncertain significance (1 of 4 stars; one submission).

Conditions:
Fanconi anemia complementation group O. Also called: RAD51C-Related Fanconi Anemia. Identifiers: Orphanet 84, MedGen C3150653, MONDO:0013248, OMIM 613390.

Submission:

Labcorp Genetics (formerly Invitae), Labcorp
Classification: Uncertain significance for Fanconi anemia complementation group O. Last evaluated: 2019-01-19. Review status: criteria provided, single submitter. Criteria: Invitae Variant Classification Sherloc (09022015). Collection method: clinical testing. Allele origin: germline.
Comment: This variant is not present in population databases (ExAC no frequency). In summary, the available evidence is currently insufficient to determine the role of this variant in disease. Therefore, it has been classified as a Variant of Uncertain Significance. Algorithms developed to predict the effect of missense changes on protein structure and function output the following: SIFT: "Tolerated"; PolyPhen-2: "Benign"; Align-GVGD: "Class C0". The isoleucine amino acid residue is found in multiple mammalian species, suggesting that this missense change does not adversely affect protein function. These predictions have not been confirmed by published functional studies and their clinical significance is uncertain. This variant has not been reported in the literature in individuals with RAD51C-related conditions. This sequence change replaces valine with isoleucine at codon 170 of the RAD51C protein (p.Val170Ile). The valine residue is weakly conserved and there is a small physicochemical difference between valine and isoleucine.

NM_058216.3(RAD51C):c.508G>A (p.Val170Ile)

Gene: RAD51C (RAD51 paralog C; plus strand). Cytogenetic location: 17q22.
Variant type: single nucleotide variant.
Coding change: c.508G>A on transcript NM_058216.3 (MANE Select); coding-DNA position 508, G replaced by A.
Protein change: p.Val170Ile; replaces valine 170 with isoleucine.
Molecular consequence: missense variant.
Genome position (GRCh38, 1-based): chr17:58,696,796, G>A. VCF-style: chr17-58696796-G-A. GRCh37 (hg19) VCF-style: chr17-56774157-G-A.
Other names: short protein forms V170I.
Identifiers: ClinVar variation 843419 (VCV000843419.9), dbSNP rs2048030325, ClinGen allele CA400344970.